The following is an entry in ClinVar:

NM_003661.4(APOL1):c.684G>A (p.Met228Ile)

Gene: APOL1 (apolipoprotein L1; plus strand). Cytogenetic location: 22q12.3.
Variant type: single nucleotide variant.
Coding change: c.684G>A on transcript NM_003661.4 (MANE Select); coding-DNA position 684, G replaced by A.
Protein change: p.Met228Ile; replaces methionine 228 with isoleucine.
Molecular consequence: missense variant.
Genome position (GRCh38, 1-based): chr22:36,265,520, G>A. VCF-style: chr22-36265520-G-A. GRCh37 (hg19) VCF-style: chr22-36661566-G-A.
Other names: c.684G>A, p.Met228Ile (NM_001136540.2); c.630G>A, p.Met210Ile (NM_001136541.2, NM_001362927.2); c.732G>A, p.Met244Ile (NM_145343.3); short protein forms M210I, M228I, M244I.
Identifiers: ClinVar variation 1170849 (VCV001170849.16), dbSNP rs136175, ClinGen allele CA10208734.

ClinVar aggregate classification (germline): Benign. Review status: criteria provided, multiple submitters, no conflicts (2 of 4 stars). 6 submissions from 6 submitters: Benign (5). 1 of the submissions does not count toward it. Last evaluated 2026-02-04.

Conditions:
APOL1-related disorder. Also called: APOL1-related condition.

Allele frequency attached by ClinVar (database versions not stated): ExAC 0.83642; ESP Exome Variant Server 0.84692; gnomAD 0.85280 and 0.85452; TOPMed 0.85901; 1000 Genomes Project 0.86422; 1000 Genomes Project 30x 0.86836.
gnomAD v4.1: 1,323,997 of 1,612,996 alleles (82%); highest among the groups gnomAD compares: African/African-American, 95%; 544,854 homozygotes.

Submissions (6):

Labcorp Genetics (formerly Invitae), Labcorp
Classification: Benign. Last evaluated: 2026-02-04. Review status: criteria provided, single submitter. Criteria: Invitae Variant Classification Sherloc (09022015). Collection method: clinical testing. Allele origin: germline.

Blueprint Genetics
Classification: Benign. Last evaluated: 2024-11-28. Review status: criteria provided, single submitter. Criteria: ACMG Guidelines, 2015. Collection method: clinical testing. Allele origin: germline.

Unidad de Genómica Garrahan, Hospital de Pediatría Garrahan
Classification: Benign. Last evaluated: 2024-07-15. Review status: criteria provided, single submitter. Criteria: ACMG Guidelines, 2015. Collection method: clinical testing. Allele origin: germline. Affected: no. Observed: 90 variant alleles.
Comment: This variant is classified as Benign based on local population frequency. This variant was detected in 97% of patients studied in a panel designed for Epileptic and Developmental Encephalopathy and Progressive Myoclonus Epilepsy. Number of patients: 90. Only high quality variants are reported.

GeneDx
Classification: Benign. Last evaluated: 2018-11-10. Review status: criteria provided, single submitter. Criteria: GeneDx Variant Classification Process June 2021. Collection method: clinical testing. Allele origin: germline. Affected: yes.
Comment: This variant is associated with the following publications: (PMID: 22239288, 19239905)

Breakthrough Genomics
Classification: Benign. Review status: criteria provided, single submitter. Criteria: ACMG Guidelines, 2015. Collection method: not provided. Allele origin: germline. Inheritance: Unknown mechanism. Affected: yes.

PreventionGenetics, part of Exact Sciences
Classification: Benign for APOL1-related condition. Last evaluated: 2023-06-05. Review status: no assertion criteria provided. Collection method: clinical testing. Allele origin: germline. Not counted in ClinVar's aggregate classification.
Comment: This variant is classified as benign based on ACMG/AMP sequence variant interpretation guidelines (Richards et al. 2015 PMID: 25741868, with internal and published modifications).